The following is an entry in ClinVar:

NM_001242896.3(DEPDC5):c.147-2A>G

Gene: DEPDC5 (DEP domain containing 5, GATOR1 subcomplex subunit; plus strand). Cytogenetic location: 22q12.2.
Variant type: single nucleotide variant.
Coding change: c.147-2A>G on transcript NM_001242896.3 (MANE Select); the canonical splice acceptor site of the intron before coding-DNA position 147, A replaced by G.
Molecular consequence: splice acceptor variant.
Genome position (GRCh38, 1-based): chr22:31,760,654, A>G. VCF-style: chr22-31760654-A-G. GRCh37 (hg19) VCF-style: chr22-32156640-A-G.
Other names: c.147-2A>G (NM_001364318.2, NM_001136029.4, NM_014662.6 and 9 more transcripts).
Identifiers: ClinVar variation 3775451 (VCV003775451.1).

ClinVar aggregate classification (germline): Likely pathogenic (1 of 4 stars; one submission).

Conditions:
Epilepsy, familial focal, with variable foci 1 (FFEVF1). Also called: DEPDC5-Related Epilepsy. Identifiers: MedGen C4551983, MONDO:0024556, OMIM 604364.

Submission:

3billion
Classification: Likely pathogenic for Epilepsy, familial focal, with variable foci 1. Last evaluated: 2023-11-09. Review status: criteria provided, single submitter. Criteria: ACMG Guidelines, 2015. Collection method: clinical testing. Allele origin: germline. Affected: yes.
Comment: The variant is not observed in the gnomAD v2.1.1 dataset. Predicted Consequence/Location: Canonical splice site: predicted to alter splicing and result in a loss or disruption of normal protein function. Multiple pathogenic loss-of-function variants are reported downstream of the variant. In silico tools predict the variant to alter splicing and produce an abnormal transcript [Splice AI: 0.99 (spliceogenicity >=0.2, non-spliceogenicity <0.1)]. Therefore, this variant is classified as Likely pathogenic according to the recommendation of ACMG/AMP guideline.